The following is an entry in ClinVar:

ClinVar aggregate classification (germline): Pathogenic. Review status: criteria provided, multiple submitters, no conflicts (2 of 4 stars). 9 submissions from 9 submitters: Pathogenic (7). 2 of the submissions do not count toward it. Last evaluated 2025-06-12.

Conditions:
Bartter disease type 3. Also called: Bartter syndrome type 3. Identifiers: Orphanet 112, Orphanet 93605, MedGen C1846343, MONDO:0011822, OMIM 607364.
Bartter disease type 4B. Also called: BARTTER SYNDROME, TYPE 4B; BARTTER SYNDROME, TYPE 4B, NEONATAL, WITH SENSORINEURAL DEAFNESS; Bartter syndrome, type 4b, digenic. Identifiers: Orphanet 112, MedGen C4310805, MONDO:0000909, OMIM 613090.

Allele frequency attached by ClinVar (database versions not stated): gnomAD 0.00002 and 0.00004; TOPMed 0.00008.
gnomAD v4.1: 37 of 1,613,726 alleles (0.0023%); highest among the groups gnomAD compares: African/African-American, 0.0094%; no homozygotes.

Submissions (9):

Labcorp Genetics (formerly Invitae), Labcorp
Classification: Pathogenic. Last evaluated: 2025-06-12. Review status: criteria provided, single submitter. Criteria: Invitae Variant Classification Sherloc (09022015). Collection method: clinical testing. Allele origin: germline.
Comment: This sequence change replaces arginine, which is basic and polar, with cysteine, which is neutral and slightly polar, at codon 438 of the CLCNKB protein (p.Arg438Cys). This variant is present in population databases (rs121909133, gnomAD 0.007%). This missense change has been observed in individuals with Bartter syndrome (PMID: 9326936, 21631963, 28381550, 31115572, 34345425). ClinVar contains an entry for this variant (Variation ID: 7593). Invitae Evidence Modeling of protein sequence and biophysical properties (such as structural, functional, and spatial information, amino acid conservation, physicochemical variation, residue mobility, and thermodynamic stability) indicates that this missense variant is expected to disrupt CLCNKB protein function with a positive predictive value of 80%. Experimental studies have shown that this missense change affects CLCNKB function (PMID: 10831588, 11734858). This variant disrupts the p.Arg438 amino acid residue in CLCNKB. Other variant(s) that disrupt this residue have been determined to be pathogenic (PMID: 10906158, 23703872, 28381550, 31115572, 32857947). This suggests that this residue is clinically significant, and that variants that disrupt this residue are likely to be disease-causing. For these reasons, this variant has been classified as Pathogenic.

GeneDx
Classification: Pathogenic. Last evaluated: 2025-02-20. Review status: criteria provided, single submitter. Criteria: GeneDx Variant Classification Process June 2021. Collection method: clinical testing. Allele origin: germline. Affected: yes.
Comment: Published functional studies demonstrate that this variant damages the function of CLCNKB as a voltage-gated chloride channel (PMID: 10831588, 11734858); In silico analysis supports that this missense variant has a deleterious effect on protein structure/function, but is inconclusive as to whether the variant alters gene splicing; in the absence of RNA/functional studies, the actual effect of this sequence change is unknown; This variant is associated with the following publications: (PMID: 34930662, 25810436, 11734858, 21631963, 23991001, 28381550, 9326936, 31589614, 10831588, 31115572, 39071140, 37516009, 34345425, 35628451, 36882007)

Genetic Services Laboratory, University of Chicago
Classification: Pathogenic. Last evaluated: 2024-12-17. Review status: criteria provided, single submitter. Criteria: ACMG Guidelines, 2015. Collection method: clinical testing. Allele origin: germline. Affected: yes.
Comment: DNA sequence analysis of the CLCNKB gene demonstrated a sequence change, c.1312C>T, in exon 14 that results in an amino acid change, p.Arg438Cys. This particular sequence change has previously been described in multiple individuals and families with CLCNKB-related Bartter syndrome (PMIDs: 9326936, 21631963, 28381550, 31115572). This sequence change has been described in the gnomAD database with a frequency of 0.006% in the African/African-American subpopulation (dbSNP rs121909133). The p.Arg438Cys change affects a highly conserved amino acid residue located in a domain of the CLCNKB protein that is known to be functional. The p.Arg438Cys substitution appears to be deleterious/possibly damaging using several in-silico pathogenicity prediction tools (SIFT, PolyPhen2, Align GVGD, REVEL). The p.Arg438Cys amino acid change occurs in a region of the CLCNKB gene where other missense sequence changes have been described in individuals with CLCNKB-related disorders (PMIDs: 10906158, 23703872, 28381550, 31115572, 32857947). Taken together, the available evidence indicates that this sequence change is pathogenic.

HudsonAlpha Institute for Biotechnology
Classification: Pathogenic for Bartter disease type 3. Last evaluated: 2024-07-30. Review status: criteria provided, single submitter. Criteria: ACMG Guidelines, 2015. Collection method: research. Allele origin: unknown. Inheritance: Autosomal recessive inheritance. Affected: yes. Observed: 1 variant allele. Study: CSER-SouthSeq.
Comment: ACMG codes: PS3_Strong, PS4_Strong, PM2_Moderate, PP3_Supporting, PP4_Supporting

Genomic Medicine Center of Excellence, King Faisal Specialist Hospital and Research Centre
Classification: Pathogenic for Bartter disease type 3. Last evaluated: 2024-03-29. Review status: criteria provided, single submitter. Criteria: ACMG Guidelines, 2015. Collection method: clinical testing. Allele origin: germline.

Fulgent Genetics
Classification: Pathogenic for Bartter disease type 3; Bartter disease type 4B. Last evaluated: 2024-03-26. Review status: criteria provided, single submitter. Criteria: ACMG Guidelines, 2015. Collection method: clinical testing. Allele origin: germline.

Athena Diagnostics
Classification: Pathogenic. Last evaluated: 2018-05-10. Review status: criteria provided, single submitter. Criteria: Athena Diagnostics Criteria. Collection method: clinical testing. Allele origin: germline.

OMIM
Classification: Pathogenic for BARTTER SYNDROME, TYPE 3. Last evaluated: 1997-10-01. Review status: no assertion criteria provided. Collection method: literature only. Allele origin: germline. Not counted in ClinVar's aggregate classification.

Martin Pollak Laboratory,  Beth Israel Deaconess Medical Center
Classification: Uncertain significance. Review status: no assertion criteria provided. Collection method: not provided. Allele origin: unknown. Not counted in ClinVar's aggregate classification.
Comment: Lower UCa2+ group
ClinVar note: Converted during submission from unknown to Uncertain significance.

Literature cited by the submitters: PubMed 9326936 (cited by 3 submitters); PubMed 21631963 (cited by Labcorp Genetics (formerly Invitae), Labcorp and Athena Diagnostics); PubMed 28381550 (cited by Labcorp Genetics (formerly Invitae), Labcorp); PubMed 31115572 (cited by Labcorp Genetics (formerly Invitae), Labcorp); PubMed 34345425 (cited by Labcorp Genetics (formerly Invitae), Labcorp); PubMed 10831588 (cited by Labcorp Genetics (formerly Invitae), Labcorp and Athena Diagnostics); PubMed 11734858 (cited by Labcorp Genetics (formerly Invitae), Labcorp and Athena Diagnostics); PubMed 10906158 (cited by Labcorp Genetics (formerly Invitae), Labcorp); PubMed 23703872 (cited by Labcorp Genetics (formerly Invitae), Labcorp); PubMed 32857947 (cited by Labcorp Genetics (formerly Invitae), Labcorp); PubMed 23991001 (cited by Athena Diagnostics); PubMed 25810436 (cited by Athena Diagnostics).

NM_000085.5(CLCNKB):c.1312C>T (p.Arg438Cys)

Genes: CLCNKB (chloride voltage-gated channel Kb; plus strand), LOC106501713 (CLCNKB recombination region; plus strand). Cytogenetic location: 1p36.13.
Variant type: single nucleotide variant.
Coding change: c.1312C>T on transcript NM_000085.5 (MANE Select); coding-DNA position 1312, C replaced by T.
Protein change: p.Arg438Cys; replaces arginine 438 with cysteine.
Molecular consequence: missense variant.
Genome position (GRCh38, 1-based): chr1:16,051,724, C>T. VCF-style: chr1-16051724-C-T. GRCh37 (hg19) VCF-style: chr1-16378219-C-T.
Other names: c.805C>T, p.Arg269Cys (NM_001165945.2); short protein forms R438C, R269C.
Identifiers: ClinVar variation 7593 (VCV000007593.14), dbSNP rs121909133, ClinGen allele CA118914.